The following is an entry in ClinVar:

NM_002499.4(NEO1):c.1895-9T>C

Gene: NEO1 (neogenin 1; plus strand). Cytogenetic location: 15q24.1.
Variant type: single nucleotide variant.
Coding change: c.1895-9T>C on transcript NM_002499.4 (MANE Select); 9 bases into the intron before coding-DNA position 1895, T replaced by C.
Molecular consequence: intron variant.
Genome position (GRCh38, 1-based): chr15:73,253,391, T>C. VCF-style: chr15-73253391-T-C. GRCh37 (hg19) VCF-style: chr15-73545732-T-C.
Other names: c.1895-9T>C (NM_001172624.2, NM_001172623.2); c.1955-9T>C (NM_001419531.1).
Identifiers: ClinVar variation 3060218 (VCV003060218.2), dbSNP rs2623989, ClinGen allele CA7648055.
Genomic context (GRCh38, chr15:73,253,391, plus strand): 5'-GATGATCACATGATGGGTGATGTATGGGTGATTAAAAAAAAAATTTTTTTTTTTTTTTTG[T>C]TTCTCTAGTTCCCAGTGCTGCTCCTCAGAATCTGTCCTTGGAAGTGAGAAATTCAAAGGT-3'

ClinVar aggregate classification (germline): Benign (0 of 4 stars; one submission).

Conditions:
NEO1-related disorder. Also called: NEO1-related condition.

Allele frequency attached by ClinVar (database versions not stated): 1000 Genomes Project 30x 0.81621; 1000 Genomes Project 0.81729; ESP Exome Variant Server 0.82725; TOPMed 0.83354; gnomAD 0.84414; ExAC 0.89545; gnomAD exomes 0.92248.
gnomAD v4.1: 1,378,121 of 1,507,592 alleles (91%); highest among the groups gnomAD compares: Non-Finnish European, 94%; 633,866 homozygotes.

Submission:

PreventionGenetics, part of Exact Sciences
Classification: Benign for NEO1-related condition. Last evaluated: 2019-10-17. Review status: no assertion criteria provided. Collection method: clinical testing. Allele origin: germline.
Comment: This variant is classified as benign based on ACMG/AMP sequence variant interpretation guidelines (Richards et al. 2015 PMID: 25741868, with internal and published modifications).